The following is an entry in ClinVar:

NM_001378609.3(OTOGL):c.1489C>T (p.Arg497Ter)

Gene: OTOGL (otogelin like; plus strand). Cytogenetic location: 12q21.31.
Variant type: single nucleotide variant.
Coding change: c.1489C>T on transcript NM_001378609.3 (MANE Select); coding-DNA position 1489, C replaced by T.
Protein change: p.Arg497Ter; replaces arginine 497 with a stop codon.
Molecular consequence: nonsense.
Genome position (GRCh38, 1-based): chr12:80,255,087, C>T. VCF-style: chr12-80255087-C-T. GRCh37 (hg19) VCF-style: chr12-80648867-C-T.
Other names: c.1462C>T (NM_173591.3); c.1489C>T, p.Arg497Ter (NM_001368062.3, NM_001378610.3, NM_173591.7); short protein forms R497*.
Identifiers: ClinVar variation 2889105 (VCV002889105.5), dbSNP rs755763110, ClinGen allele CA6700489.

ClinVar aggregate classification (germline): Pathogenic/Likely pathogenic. Review status: criteria provided, multiple submitters, no conflicts (2 of 4 stars). 3 submissions from 3 submitters: Pathogenic (2); Likely pathogenic (1). Last evaluated 2024-02-09.

Conditions:
OTOGL-related disorder. Also called: OTOGL-related condition.

Allele frequency attached by ClinVar (database versions not stated): gnomAD 0.00001; ExAC 0.00005.
gnomAD v4.1: 20 of 1,515,932 alleles (0.0013%); highest among the groups gnomAD compares: South Asian, 0.0026%; no homozygotes.

Submissions (3):

GeneDx
Classification: Pathogenic. Last evaluated: 2024-02-09. Review status: criteria provided, single submitter. Criteria: GeneDx Variant Classification Process June 2021. Collection method: clinical testing. Allele origin: germline. Affected: yes.
Comment: Reported with a second variant (phase unknown) in a patient with hearing loss in published literature (PMID: Pereira2021[paper]); Nonsense variant predicted to result in protein truncation or nonsense mediated decay in a gene for which loss of function is a known mechanism of disease; Not observed at significant frequency in large population cohorts (gnomAD); This variant is associated with the following publications: (PMID: Pereira2021[paper])

Labcorp Genetics (formerly Invitae), Labcorp
Classification: Pathogenic. Last evaluated: 2022-12-26. Review status: criteria provided, single submitter. Criteria: Invitae Variant Classification Sherloc (09022015). Collection method: clinical testing. Allele origin: germline.
Comment: For these reasons, this variant has been classified as Pathogenic. Algorithms developed to predict the effect of sequence changes on RNA splicing suggest that this variant may create or strengthen a splice site. This variant has not been reported in the literature in individuals affected with OTOGL-related conditions. This variant is present in population databases (rs755763110, gnomAD 0.006%). This sequence change creates a premature translational stop signal (p.Arg488*) in the OTOGL gene. It is expected to result in an absent or disrupted protein product. Loss-of-function variants in OTOGL are known to be pathogenic (PMID: 23122586).

Blueprint Genetics
Classification: Likely pathogenic for OTOGL-related disorders. Last evaluated: 2021-01-28. Review status: criteria provided, single submitter. Criteria: ACMG Guidelines, 2015. Collection method: clinical testing. Allele origin: germline. Affected: yes. Observed: 1 variant allele.

Literature cited by the submitters: PubMed 23122586 (cited by Labcorp Genetics (formerly Invitae), Labcorp).